The following is an entry in ClinVar:

ClinVar aggregate classification (germline): Uncertain significance (1 of 4 stars; one submission).

Submission:

GeneDx
Classification: Uncertain significance. Last evaluated: 2025-04-01. Review status: criteria provided, single submitter. Criteria: GeneDx Variant Classification Process June 2021. Collection method: clinical testing. Allele origin: germline.
Comment: Not observed at significant frequency in large population cohorts (gnomAD); In silico analysis supports that this missense variant has a deleterious effect on protein structure/function; Has not been previously published as pathogenic or benign to our knowledge

NM_005676.5(RBM10):c.2078G>A (p.Gly693Asp)

Gene: RBM10 (RNA binding motif protein 10; plus strand). Cytogenetic location: Xp11.3.
Variant type: single nucleotide variant.
Coding change: c.2078G>A on transcript NM_005676.5 (MANE Select); coding-DNA position 2078, G replaced by A.
Protein change: p.Gly693Asp; replaces glycine 693 with aspartic acid.
Molecular consequence: missense variant.
Genome position (GRCh38, 1-based): chrX:47,185,182, G>A. VCF-style: chrX-47185182-G-A. GRCh37 (hg19) VCF-style: chrX-47044581-G-A.
Other names: c.1847G>A, p.Gly616Asp (NM_001204466.2); c.2075G>A, p.Gly692Asp (NM_001204467.2); c.2273G>A, p.Gly758Asp (NM_001204468.2); c.1844G>A, p.Gly615Asp (NM_152856.3); short protein forms G615D, G616D, G692D, G693D, G758D.
Identifiers: ClinVar variation 2663573 (VCV002663573.2), dbSNP rs2147211478, ClinGen allele CA412806342.
Genomic context (GRCh38, chrX:47,185,182, plus strand): 5'-TCCAGCCTATCAGCTCCCTGCGAGATGACGAGAGGCGGGAGTCAGCCACTGCAGATGCTG[G>A]CTATGCCATCCTCGAGAAGAAGGTGTGTTGGGGCCACCCCCCTGCACCCTGCCCCACAAT-3'
Protein context (NP_005667.2, residues 683-703): ERRESATADA[Gly693Asp]YAILEKKGAL